The following is an entry in ClinVar:

NM_018668.5(VPS33B):c.778+2T>G

Gene: VPS33B (VPS33B late endosome and lysosome associated; minus strand). Cytogenetic location: 15q26.1.
Variant type: single nucleotide variant.
Coding change: c.778+2T>G on transcript NM_018668.5 (MANE Select); the canonical splice donor site of the intron after coding-DNA position 778, T replaced by G.
Molecular consequence: splice donor variant.
Genome position (GRCh38, 1-based): chr15:91,006,650, A>C on the plus strand (T>G on the coding strand, the complement: VPS33B is on the minus strand). VCF-style: chr15-91006650-A-C. GRCh37 (hg19) VCF-style: chr15-91549880-A-C.
Other names: c.697+2T>G (NM_001289148.1); c.505+2T>G (NM_001289149.1).
Identifiers: ClinVar variation 2419079 (VCV002419079.7), dbSNP rs1174027832, ClinGen allele CA393854194.

ClinVar aggregate classification (germline): Pathogenic (1 of 4 stars; one submission).

gnomAD v4.1: 1 of 1,614,194 alleles (0.000062%); highest among the groups gnomAD compares: Admixed American, 0.0017%; no homozygotes.

Submission:

Labcorp Genetics (formerly Invitae), Labcorp
Classification: Pathogenic. Last evaluated: 2022-02-03. Review status: criteria provided, single submitter. Criteria: Invitae Variant Classification Sherloc (09022015). Collection method: clinical testing. Allele origin: germline.
Comment: For these reasons, this variant has been classified as Pathogenic. Algorithms developed to predict the effect of sequence changes on RNA splicing suggest that this variant may disrupt the consensus splice site. Disruption of this splice site has been observed in individuals with arthrogryposis, renal dysfunction, and cholestasis syndrome (PMID: 31160058; Invitae). This variant is present in population databases (no rsID available, gnomAD 0.003%). This sequence change affects a donor splice site in intron 10 of the VPS33B gene. It is expected to disrupt RNA splicing. Variants that disrupt the donor or acceptor splice site typically lead to a loss of protein function (PMID: 16199547), and loss-of-function variants in VPS33B are known to be pathogenic (PMID: 15052268, 16896922).

Literature cited by the submitters: PubMed 31160058; PubMed 16199547; PubMed 15052268; PubMed 16896922.